The following is an entry in ClinVar:

ClinVar aggregate classification (germline): Conflicting classifications of pathogenicity. Review status: criteria provided, conflicting classifications (1 of 4 stars). 2 submissions from 2 submitters: Uncertain significance (1); Benign (1). Last evaluated 2025-07-03.

Conditions:
Hereditary cancer-predisposing syndrome. Also called: Tumor predisposition; Hereditary Cancer Syndrome; Neoplastic Syndromes, Hereditary; Hereditary neoplastic syndrome. Identifiers: Orphanet 140162, MedGen C0027672, MeSH D009386, MONDO:0015356.
Tuberous sclerosis 2 (TSC2). Identifiers: Orphanet 805, MedGen C1860707, MONDO:0013199, OMIM 613254.

Submissions (2):

Ambry Genetics
Classification: Uncertain significance for Hereditary cancer-predisposing syndrome. Last evaluated: 2025-07-03. Review status: criteria provided, single submitter. Criteria: Ambry Variant Classification Scheme 2023. Collection method: clinical testing. Allele origin: germline.
Comment: The p.D1403Y variant (also known as c.4207G>T), located in coding exon 33 of the TSC2 gene, results from a G to T substitution at nucleotide position 4207. The aspartic acid at codon 1403 is replaced by tyrosine, an amino acid with highly dissimilar properties. This amino acid position is conserved. In addition, the in silico prediction for this alteration is inconclusive. Since supporting evidence is limited at this time, the clinical significance of this alteration remains unclear.

Labcorp Genetics (formerly Invitae), Labcorp
Classification: Benign for Tuberous sclerosis 2. Last evaluated: 2024-11-13. Review status: criteria provided, single submitter. Criteria: Invitae Variant Classification Sherloc (09022015). Collection method: clinical testing. Allele origin: germline.

NM_000548.5(TSC2):c.4207G>T (p.Asp1403Tyr)

Gene: TSC2 (TSC complex subunit 2; plus strand). Cytogenetic location: 16p13.3.
Variant type: single nucleotide variant.
Coding change: c.4207G>T on transcript NM_000548.5 (MANE Select); coding-DNA position 4207, G replaced by T.
Protein change: p.Asp1403Tyr; replaces aspartic acid 1403 with tyrosine.
Molecular consequence: missense variant.
Genome position (GRCh38, 1-based): chr16:2,084,429, G>T. VCF-style: chr16-2084429-G-T. GRCh37 (hg19) VCF-style: chr16-2134430-G-T.
Other names: c.4006G>T, p.Asp1336Tyr (NM_001077183.3); c.4138G>T, p.Asp1380Tyr (NM_001114382.3); c.3898G>T, p.Asp1300Tyr (NM_001318827.2); c.3862G>T, p.Asp1288Tyr (NM_001318829.2); c.3475G>T, p.Asp1159Tyr (NM_001318831.2); c.4039G>T, p.Asp1347Tyr (NM_001318832.2); c.4009G>T, p.Asp1337Tyr (NM_001363528.2); c.4075G>T, p.Asp1359Tyr (NM_001370404.1); and 1 more; short protein forms D1288Y, D1336Y, D1380Y, D1403Y, D1159Y, D1337Y, D1360Y, D1300Y.
Identifiers: ClinVar variation 862701 (VCV000862701.9), dbSNP rs1288307487, ClinGen allele CA394299923.
Genomic context (GRCh38, chr16:2,084,429, plus strand): 5'-AGCAAGTCCAGCTCCTCTCCCGAGCTGCAGACTCTGCAGGACATCCTCGGGGACCCTGGG[G>T]ACAAGGCCGACGTGGGCCGGCTGAGCCCTGAGGTTAAGGCCCGGTCACAGTCAGGGACCC-3'
Protein context (NP_000539.2, residues 1393-1413): TLQDILGDPG[Asp1403Tyr]KADVGRLSPE